The following is an entry in ClinVar:

NM_133259.4(LRPPRC):c.2941del (p.Ile981fs)

Gene: LRPPRC (leucine rich pentatricopeptide repeat containing; minus strand). Cytogenetic location: 2p21.
Variant type: Deletion.
Coding change: c.2941del on transcript NM_133259.4 (MANE Select); coding-DNA position 2941, one base deleted (A; older notation c.2941delA).
Protein change: p.Ile981fs; shifts the reading frame from isoleucine 981.
Molecular consequence: frameshift variant.
Genome position (GRCh38, 1-based): chr2:43,918,354, T deleted on the plus strand (A on the coding strand, the reverse complement: LRPPRC is on the minus strand); the first of 4 consecutive T bases (chr2:43,918,354-43,918,357); deleting any one gives the same sequence. VCF-style (leftmost placement, unchanged base first): chr2-43918353-AT-A. GRCh37 (hg19) VCF-style: chr2-44145492-AT-A.
Other names: short protein forms I981fs.
Identifiers: ClinVar variation 1726320 (VCV001726320.2), dbSNP rs2466452466, ClinGen allele CA2576954202.

ClinVar aggregate classification (germline): Likely pathogenic (1 of 4 stars; one submission).

Conditions:
Congenital lactic acidosis, Saguenay-Lac-Saint-Jean type (MC4DN5). Also called: CYTOCHROME c OXIDASE DEFICIENCY, FRENCH CANADIAN TYPE; COX DEFICIENCY, FRENCH CANADIAN TYPE; MITOCHONDRIAL COMPLEX IV DEFICIENCY, NUCLEAR TYPE 5. Identifiers: Orphanet 70472, MedGen C1857355, MONDO:0009069, OMIM 220111.

Submission:

Myriad Genetics, Inc.
Classification: Likely pathogenic for Congenital lactic acidosis, Saguenay-Lac-Saint-Jean type. Last evaluated: 2021-12-16. Review status: criteria provided, single submitter. Criteria: Myriad Women's Health Autosomal Recessive and X-Linked Classification Criteria (2021). Collection method: clinical testing. Allele origin: unknown.
Comment: NM_133259.3(LRPPRC):c.2941delA(I981Sfs*13) is expected to be pathogenic in the context of Leigh syndrome, French-Canadian type. This variant is predicted to lead to an abnormal or absent protein product due to the creation of a premature termination codon in LRPPRC, a gene where loss-of-function variants are known to be pathogenic. Please note: this variant was assessed in the context of healthy population screening.